The following is an entry in ClinVar:

ClinVar aggregate classification (germline): Likely benign. Review status: criteria provided, multiple submitters, no conflicts (2 of 4 stars). 2 submissions from 2 submitters: Likely benign (2). Last evaluated 2024-12-01.

Allele frequency attached by ClinVar (database versions not stated): ExAC 0.00048; TOPMed 0.00134; 1000 Genomes Project 30x 0.00172; gnomAD 0.00121; ESP Exome Variant Server 0.00177; 1000 Genomes Project 0.00180.
gnomAD v4.1: 377 of 1,613,432 alleles (0.023%); highest among the groups gnomAD compares: African/African-American, 0.42%; 1 homozygote.

Submissions (2):

CeGaT Center for Human Genetics Tuebingen
Classification: Likely benign. Last evaluated: 2024-12-01. Review status: criteria provided, single submitter. Criteria: CeGaT Center For Human Genetics Tuebingen Variant Classification Criteria Version 2. Collection method: clinical testing. Allele origin: germline. Affected: yes. Observed: 2 variant alleles.
Comment: TMEM94: BP4, BP7

Blueprint Genetics
Classification: Likely benign. Last evaluated: 2024-10-18. Review status: criteria provided, single submitter. Criteria: ACMG Guidelines, 2015. Collection method: clinical testing. Allele origin: germline.

NM_014738.6(TMEM94):c.1182G>A (p.Ser394=)

Gene: TMEM94 (transmembrane protein 94; plus strand). Cytogenetic location: 17q25.1.
Variant type: single nucleotide variant.
Coding change: c.1182G>A on transcript NM_014738.6 (MANE Select); coding-DNA position 1182, G replaced by A.
Protein change: p.Ser394=; no amino-acid change (serine 394 retained).
Molecular consequence: synonymous variant.
Genome position (GRCh38, 1-based): chr17:75,491,102, G>A. VCF-style: chr17-75491102-G-A. GRCh37 (hg19) VCF-style: chr17-73487183-G-A.
Other names: c.1212G>A, p.Ser404= (NM_001321148.2, NM_001351203.2); c.1182G>A, p.Ser394= (NM_001321149.2, NM_001351202.2).
Identifiers: ClinVar variation 2648254 (VCV002648254.25), dbSNP rs112425690, ClinGen allele CA8761761.